The following is an entry in ClinVar:

ClinVar aggregate classification (germline): Pathogenic (1 of 4 stars; one submission).

Conditions:
Combined oxidative phosphorylation defect type 14. Also called: Combined oxidative phosphorylation deficiency 14. Identifiers: Orphanet 319519, MedGen C4755312, MONDO:0013986, OMIM 614946.

Submission:

Centro de Biología Molecular Severo Ochoa, Universidad Autónoma de Madrid
Classification: Pathogenic for Combined oxidative phosphorylation defect type 14. Last evaluated: 2025-11-10. Review status: criteria provided, single submitter. Criteria: ACMG/ClinGen CNV Guidelines, 2019. Collection method: clinical testing. Allele origin: unknown. Inheritance: Autosomal recessive inheritance. Affected: yes. Observed: 1 compound heterozygote.
Comment: This variant is a tandem duplication that includes the complete sequence of exon 5 of FARS2, and the results of our study suggest a duplication of exon 5 (161 bp) in the cDNA that likely causes a frameshift and ultimately leads to the degradation of the abnormal transcript. Segregation studies could not be conducted because parental samples were not available. In summary, this variant meets criteria to be classified as pathogenic based on the ACMG/AMP criteria applied: 2I (0.9) and 5G (0.10)

NG_033003.3:g.294507_301524dup

Gene: FARS2 (phenylalanyl-tRNA synthetase 2, mitochondrial; plus strand).
Variant type: Duplication.
Identifiers: ClinVar variation 4529475 (VCV004529475.1).